The following is an entry in ClinVar:

ClinVar aggregate classification (germline): Benign (1 of 4 stars; one submission).

Allele frequency attached by ClinVar (database versions not stated): 1000 Genomes Project 30x 0.97892; TOPMed 0.98017; 1000 Genomes Project 0.98063; gnomAD 0.98191; ExAC 0.99387.
gnomAD v4.1: 1,146,666 of 1,151,318 alleles (100%); highest among the groups gnomAD compares: East Asian, 100%; 571,129 homozygotes.

Submission:

Unidad de Genómica Garrahan, Hospital de Pediatría Garrahan
Classification: Benign. Last evaluated: 2024-01-24. Review status: criteria provided, single submitter. Criteria: ACMG Guidelines, 2015. Collection method: clinical testing. Allele origin: germline. Affected: no. Observed: 95 variant alleles.
Comment: This variant is classified as Benign based on local population frequency. This variant was detected in 100% of patients studied by a panel of primary immunodeficiencies. Number of patients: 95. Only high quality variants are reported.

NM_017491.5(WDR1):c.636+110A>G

Gene: WDR1 (WD repeat domain 1; minus strand). Cytogenetic location: 4p16.1.
Variant type: single nucleotide variant.
Coding change: c.636+110A>G on transcript NM_017491.5 (MANE Select); 110 bases into the intron after coding-DNA position 636, A replaced by G.
Molecular consequence: intron variant.
Genome position (GRCh38, 1-based): chr4:10,088,554, T>C on the plus strand (A>G on the coding strand, the complement: WDR1 is on the minus strand). VCF-style: chr4-10088554-T-C. GRCh37 (hg19) VCF-style: chr4-10090178-T-C.
Other names: c.216+110A>G (NM_005112.5).
Identifiers: ClinVar variation 2688007 (VCV002688007.2), dbSNP rs4235349, ClinGen allele CA2857941.